The following is an entry in ClinVar:

NM_004229.4(MED14):c.4247G>T (p.Ser1416Ile)

Gene: MED14 (mediator complex subunit 14; minus strand). Cytogenetic location: Xp11.4.
Variant type: single nucleotide variant.
Coding change: c.4247G>T on transcript NM_004229.4 (MANE Select); coding-DNA position 4247, G replaced by T.
Protein change: p.Ser1416Ile; replaces serine 1416 with isoleucine.
Molecular consequence: missense variant.
Genome position (GRCh38, 1-based): chrX:40,654,408, C>A on the plus strand (G>T on the coding strand, the complement: MED14 is on the minus strand). VCF-style: chrX-40654408-C-A. GRCh37 (hg19) VCF-style: chrX-40513660-C-A.
Other names: short protein forms S1416I.
Identifiers: ClinVar variation 5024258 (VCV005024258.1).

ClinVar aggregate classification (germline): Uncertain significance (1 of 4 stars; one submission).

gnomAD v4.1: 10 of 1,210,068 alleles (0.00083%); highest among the groups gnomAD compares: Non-Finnish European, 0.0011%; no homozygotes.

Submission:

Ambry Genetics
Classification: Uncertain significance. Last evaluated: 2026-08-27. Review status: criteria provided, single submitter. Criteria: Ambry Variant Classification Scheme 2023. Collection method: clinical testing. Allele origin: germline.
Comment: The c.4247G>T (p.S1416I) alteration is located in exon 30 (coding exon 30) of the MED14 gene. This alteration results from a G to T substitution at nucleotide position 4247, causing the serine (S) at amino acid position 1416 to be replaced by an isoleucine (I). Based on data from gnomAD, the T allele has an overall frequency of 0.003% (6/205381) total alleles studied. The highest observed frequency was 0.007% (6/92755) of European (non-Finnish) alleles. Based on insufficient or conflicting evidence, the clinical significance of this alteration remains unclear.